The following is an entry in ClinVar:

NM_000138.5(FBN1):c.4744A>G (p.Thr1582Ala)

Gene: FBN1 (fibrillin 1; minus strand). Cytogenetic location: 15q21.1.
Variant type: single nucleotide variant.
Coding change: c.4744A>G on transcript NM_000138.5 (MANE Select); coding-DNA position 4744, A replaced by G.
Protein change: p.Thr1582Ala; replaces threonine 1582 with alanine.
Molecular consequence: missense variant.
Genome position (GRCh38, 1-based): chr15:48,467,941, T>C on the plus strand (A>G on the coding strand, the complement: FBN1 is on the minus strand). VCF-style: chr15-48467941-T-C. GRCh37 (hg19) VCF-style: chr15-48760138-T-C.
Other names: c.4744A>G, p.Thr1582Ala (NM_001406716.1); short protein forms T1582A.
Identifiers: ClinVar variation 2943493 (VCV002943493.3), dbSNP rs761794133, ClinGen allele CA392352679.
Genomic context (GRCh38, chr15:48,467,941, plus strand): 5'-TAGAAAGGAGAACTGGCTGGAGTTGAAATAATAATAAATAGGAGGATGTCCACTTACATG[T>C]GTTCACAGCAGGACACATCTCACAAGGAGTACCCCAGGCTTTACCCAGAGAACAGCAGCA-3'
Protein context (NP_000129.3, residues 1572-1592): TPCEMCPAVN[Thr1582Ala]SEYKILCPGG

ClinVar aggregate classification (germline): Uncertain significance (1 of 4 stars; one submission).

Conditions:
Marfan syndrome (MFS). Also called: MARFAN SYNDROME, TYPE I; Marfan syndrome type 1; Marfan's syndrome; Marfan syndrome, classic; FBN1-Related Marfan Syndrome. Identifiers: Orphanet 284963, Orphanet 558, MedGen C0024796, MONDO:0007947, OMIM 154700.
Familial thoracic aortic aneurysm and aortic dissection (TAAD). Also called: Thoracic aortic aneurysms and dissections. Identifiers: Orphanet 91387, MedGen C4707243, MONDO:0019625.

Submission:

Labcorp Genetics (formerly Invitae), Labcorp
Classification: Uncertain significance for Marfan syndrome; Familial thoracic aortic aneurysm and aortic dissection. Last evaluated: 2023-01-21. Review status: criteria provided, single submitter. Criteria: Invitae Variant Classification Sherloc (09022015). Collection method: clinical testing. Allele origin: germline.
Comment: In summary, the available evidence is currently insufficient to determine the role of this variant in disease. Therefore, it has been classified as a Variant of Uncertain Significance. Advanced modeling of protein sequence and biophysical properties (such as structural, functional, and spatial information, amino acid conservation, physicochemical variation, residue mobility, and thermodynamic stability) has been performed at Invitae for this missense variant, however the output from this modeling did not meet the statistical confidence thresholds required to predict the impact of this variant on FBN1 protein function. This variant has not been reported in the literature in individuals affected with FBN1-related conditions. This variant is not present in population databases (gnomAD no frequency). This sequence change replaces threonine, which is neutral and polar, with alanine, which is neutral and non-polar, at codon 1582 of the FBN1 protein (p.Thr1582Ala).